The following is an entry in ClinVar:

NM_002474.3(MYH11):c.3984C>T (p.Thr1328=)

Genes: MYH11 (myosin heavy chain 11; minus strand), NDE1 (nudE neurodevelopment protein 1; plus strand). Cytogenetic location: 16p13.11.
Variant type: single nucleotide variant.
Coding change: c.3984C>T on transcript NM_002474.3 (MANE Select); coding-DNA position 3984, C replaced by T.
Protein change: p.Thr1328=; no amino-acid change (threonine 1328 retained).
Molecular consequence: synonymous variant. On other transcripts: 3 prime UTR variant (2).
Genome position (GRCh38, 1-based): chr16:15,724,779, G>A on the plus strand (C>T on the coding strand, the complement: MYH11 is on the minus strand). VCF-style: chr16-15724779-G-A. GRCh37 (hg19) VCF-style: chr16-15818636-G-A.
Other names: c.4005C>T, p.Thr1335= (NM_001040113.2, NM_001040114.2); c.3984C>T, p.Thr1328= (NM_022844.3); c.*528G>A (NM_001143979.2, NM_017668.3); c.3984C>T (NM_002474.2).
Identifiers: ClinVar variation 3070576 (VCV003070576.2), dbSNP rs1467215674, ClinGen allele CA494088076.

ClinVar aggregate classification (germline): Likely benign. Review status: criteria provided, multiple submitters, no conflicts (2 of 4 stars). 2 submissions from 2 submitters: Likely benign (2). Last evaluated 2026-07-10.

Conditions:
Familial thoracic aortic aneurysm and aortic dissection (TAAD). Also called: Thoracic aortic aneurysms and dissections. Identifiers: Orphanet 91387, MedGen C4707243, MONDO:0019625.

Submissions (2):

Ambry Genetics
Classification: Likely benign for Familial thoracic aortic aneurysm and aortic dissection. Last evaluated: 2026-07-10. Review status: criteria provided, single submitter. Criteria: Ambry Variant Classification Scheme 2023. Collection method: clinical testing. Allele origin: germline.

All of Us Research Program, National Institutes of Health
Classification: Likely benign for Familial thoracic aortic aneurysm and aortic dissection. Last evaluated: 2023-04-28. Review status: criteria provided, single submitter. Criteria: ACMG Guidelines, 2015. Collection method: clinical testing. Allele origin: germline. Inheritance: Autosomal dominant inheritance. Observed: 1 variant allele, 1 heterozygote.
Comment: This study involves interpretation of variants in research participants for the purpose of population health screening. Participant phenotype was not available at the time of variant classification. Additional details can be found in publication PMID: 35346344, PMCID: PMC8962531